The following is an entry in ClinVar:

ClinVar aggregate classification (germline): Likely benign (1 of 4 stars; one submission).

Allele frequency attached by ClinVar (database versions not stated): gnomAD 0.00043; ESP Exome Variant Server 0.00046; TOPMed 0.00051; ExAC 0.00093.
gnomAD v4.1: 708 of 1,609,028 alleles (0.044%); highest among the groups gnomAD compares: Middle Eastern, 0.033%; 1 homozygote.

Submission:

CeGaT Center for Human Genetics Tuebingen
Classification: Likely benign. Last evaluated: 2024-01-01. Review status: criteria provided, single submitter. Criteria: CeGaT Center For Human Genetics Tuebingen Variant Classification Criteria Version 2. Collection method: clinical testing. Allele origin: germline. Affected: yes. Observed: 1 variant allele.
Comment: USP36: BP4, BP7

NM_001385174.1(USP36):c.813C>T (p.Val271=)

Gene: USP36 (ubiquitin specific peptidase 36; minus strand). Cytogenetic location: 17q25.3.
Variant type: single nucleotide variant.
Coding change: c.813C>T on transcript NM_001385174.1 (MANE Select); coding-DNA position 813, C replaced by T.
Protein change: p.Val271=; no amino-acid change (valine 271 retained).
Molecular consequence: synonymous variant. On other transcripts: non-coding transcript variant (4).
Genome position (GRCh38, 1-based): chr17:78,821,006, G>A on the plus strand (C>T on the coding strand, the complement: USP36 is on the minus strand). VCF-style: chr17-78821006-G-A. GRCh37 (hg19) VCF-style: chr17-76817088-G-A.
Other names: c.813C>T, p.Val271= (NM_001321291.2, NM_001385169.1, NM_001385170.1 and 5 more transcripts); c.318C>T, p.Val106= (NM_001385177.1, NM_001385178.1); c.183C>T, p.Val61= (NM_001385179.1); c.156C>T, p.Val52= (NM_001385180.1).
Identifiers: ClinVar variation 3025057 (VCV003025057.22), dbSNP rs201086503, ClinGen allele CA8807241.
Genomic context (GRCh38, chr17:78,821,006, plus strand): 5'-CCTCGCTCTCCTACTGCAAAAGTGAAGGGCAGGACAGATCTGTACCCGGATCTCCAGCGC[G>A]ACGTCCAAGTAGGGGTCGTAGGTGTCCGAGACGCTCTTGCACACGGAGCACTTCACTGCA-3'
Protein context (NP_001372103.1, residues 261-281): VSDTYDPYLD[Val271=]ALEIRQAANI